The following is an entry in ClinVar:

NM_000053.4(ATP7B):c.3406G>A (p.Glu1136Lys)

Gene: ATP7B (ATPase copper transporting beta; minus strand). Cytogenetic location: 13q14.3.
Variant type: single nucleotide variant.
Coding change: c.3406G>A on transcript NM_000053.4 (MANE Select); coding-DNA position 3406, G replaced by A.
Protein change: p.Glu1136Lys; replaces glutamic acid 1136 with lysine.
Molecular consequence: missense variant.
Genome position (GRCh38, 1-based): chr13:51,942,392, C>T on the plus strand (G>A on the coding strand, the complement: ATP7B is on the minus strand). VCF-style: chr13-51942392-C-T. GRCh37 (hg19) VCF-style: chr13-52516528-C-T.
Other names: c.2785G>A, p.Glu929Lys (NM_001005918.3); c.3073G>A, p.Glu1025Lys (NM_001243182.2); c.3172G>A, p.Glu1058Lys (NM_001330578.2, NM_001406527.1, NM_001406528.1 and 1 more transcripts); c.3154G>A, p.Glu1052Lys (NM_001330579.2, NM_001406531.1, NM_001406532.1); c.3406G>A, p.Glu1136Lys (NM_001406511.1, NM_001406512.1, NM_001406526.1); c.3400G>A, p.Glu1134Lys (NM_001406513.1); c.3373G>A, p.Glu1125Lys (NM_001406514.1); c.3352G>A, p.Glu1118Lys (NM_001406515.1, NM_001406516.1); and 19 more; short protein forms E1025K, E1026K, E1077K, E920K, E987K, E1020K, E1052K, E1056K.
Identifiers: ClinVar variation 4525767 (VCV004525767.1).

ClinVar aggregate classification (germline): Uncertain significance (1 of 4 stars; one submission).

Submission:

Women's Health and Genetics/Laboratory Corporation of America, LabCorp
Classification: Uncertain significance. Last evaluated: 2025-07-30. Review status: criteria provided, single submitter. Criteria: LabCorp Variant Classification Summary - May 2015. Collection method: clinical testing. Allele origin: germline.
Comment: Variant summary: ATP7B c.3406G>A (p.Glu1136Lys) results in a conservative amino acid change in the encoded protein sequence. Algorithms developed to predict the effect of missense changes on protein structure and function all suggest that this variant is likely to be tolerated. The variant was absent in 249426 control chromosomes. c.3406G>A has been observed in one individual affected with Wilson Disease (Liu_2015). These data indicate that the variant may be associated with disease. To our knowledge, no experimental evidence demonstrating an impact on protein function has been reported. The following publication has been ascertained in the context of this evaluation (PMID: 25704634). No submitters have cited clinical-significance assessments for this variant to ClinVar. Based on the evidence outlined above, the variant was classified as VUS-possibly pathogenic.

Literature cited by the submitters: PubMed 25704634.